The following is an entry in ClinVar:

NM_000875.5(IGF1R):c.45del (p.Leu16fs)

Genes: IGF1R (insulin like growth factor 1 receptor; plus strand), IRAIN (IGF1R antisense imprinted non-protein coding RNA; minus strand). Cytogenetic location: 15q26.3.
Variant type: Deletion.
Coding change: c.45del on transcript NM_000875.5 (MANE Select); coding-DNA position 45, one base deleted (G; older notation c.45delG).
Protein change: p.Leu16fs; shifts the reading frame from leucine 16.
Molecular consequence: frameshift variant. On other transcripts: non-coding transcript variant (1).
Genome position (GRCh38, 1-based): chr15:98,649,626, G deleted; the last of 5 consecutive G bases (chr15:98,649,622-98,649,626); deleting any one gives the same sequence. VCF-style (leftmost placement, unchanged base first): chr15-98649621-TG-T. GRCh37 (hg19) VCF-style: chr15-99192850-TG-T.
Other names: c.45del, p.Leu16fs (NM_001291858.2); short protein forms L16fs.
Identifiers: ClinVar variation 2875102 (VCV002875102.3), dbSNP rs2141155132, ClinGen allele CA2731690581.

ClinVar aggregate classification (germline): Pathogenic (1 of 4 stars; one submission).

Submission:

Labcorp Genetics (formerly Invitae), Labcorp
Classification: Pathogenic. Last evaluated: 2023-06-27. Review status: criteria provided, single submitter. Criteria: Invitae Variant Classification Sherloc (09022015). Collection method: clinical testing. Allele origin: germline.
Comment: This sequence change creates a premature translational stop signal (p.Leu16Serfs*31) in the IGF1R gene. It is expected to result in an absent or disrupted protein product. Loss-of-function variants in IGF1R are known to be pathogenic (PMID: 14657428). This variant is not present in population databases (gnomAD no frequency). For these reasons, this variant has been classified as Pathogenic. This variant has not been reported in the literature in individuals affected with IGF1R-related conditions.

Literature cited by the submitters: PubMed 14657428.